The following is an entry in ClinVar:

ClinVar aggregate classification (germline): Benign (1 of 4 stars; one submission).

Allele frequency attached by ClinVar (database versions not stated): 1000 Genomes Project 0.07288; 1000 Genomes Project 30x 0.07573; TOPMed 0.11119.
gnomAD v4.1: 102,118 of 748,150 alleles (14%); highest among the groups gnomAD compares: Non-Finnish European, 16%; 8,280 homozygotes.

Submission:

GeneDx
Classification: Benign. Last evaluated: 2018-06-19. Review status: criteria provided, single submitter. Criteria: GeneDx Variant Classification (06012015). Collection method: clinical testing. Allele origin: germline. Affected: yes.
Comment: This variant is considered likely benign or benign based on one or more of the following criteria: it is a conservative change, it occurs at a poorly conserved position in the protein, it is predicted to be benign by multiple in silico algorithms, and/or has population frequency not consistent with disease.

NM_000744.7(CHRNA4):c.1758+192G>C

Gene: CHRNA4 (cholinergic receptor nicotinic alpha 4 subunit; minus strand). Cytogenetic location: 20q13.33.
Variant type: single nucleotide variant.
Coding change: c.1758+192G>C on transcript NM_000744.7 (MANE Select); 192 bases into the intron after coding-DNA position 1758, G replaced by C.
Molecular consequence: intron variant.
Genome position (GRCh38, 1-based): chr20:63,349,461, C>G on the plus strand (G>C on the coding strand, the complement: CHRNA4 is on the minus strand). VCF-style: chr20-63349461-C-G. GRCh37 (hg19) VCF-style: chr20-61980813-C-G.
Other names: c.1230+192G>C (NM_001256573.2).
Identifiers: ClinVar variation 681356 (VCV000681356.1), dbSNP rs3899053, ClinGen allele CA14781995.